The following is an entry in ClinVar:

ClinVar aggregate classification (germline): Uncertain significance. Review status: criteria provided, multiple submitters, no conflicts (2 of 4 stars). 2 submissions from 2 submitters: Uncertain significance (2). Last evaluated 2025-06-27.

Conditions:
Neuropathy, hereditary sensory, type 1F. Also called: Hereditary sensory neuropathy type IF; HSN IF. Identifiers: Orphanet 36386, MedGen C3810194, MONDO:0014286, OMIM 615632.

Submissions (2):

Labcorp Genetics (formerly Invitae), Labcorp
Classification: Uncertain significance for Neuropathy, hereditary sensory, type 1F. Last evaluated: 2025-06-27. Review status: criteria provided, single submitter. Criteria: Invitae Variant Classification Sherloc (09022015). Collection method: clinical testing. Allele origin: germline.
Comment: This sequence change replaces asparagine, which is neutral and polar, with lysine, which is basic and polar, at codon 474 of the ATL3 protein (p.Asn474Lys). This variant is not present in population databases (gnomAD no frequency). This variant has not been reported in the literature in individuals affected with ATL3-related conditions. ClinVar contains an entry for this variant (Variation ID: 387129). Invitae Evidence Modeling of protein sequence and biophysical properties (such as structural, functional, and spatial information, amino acid conservation, physicochemical variation, residue mobility, and thermodynamic stability) indicates that this missense variant is not expected to disrupt ATL3 protein function with a negative predictive value of 80%. In summary, the available evidence is currently insufficient to determine the role of this variant in disease. Therefore, it has been classified as a Variant of Uncertain Significance.

GeneDx
Classification: Uncertain significance. Last evaluated: 2016-06-17. Review status: criteria provided, single submitter. Criteria: GeneDx Variant Classification (06012015). Collection method: clinical testing. Allele origin: germline. Affected: yes.
Comment: The N474K variant in the ATL3 gene has not been reported previously as a pathogenic variant, nor as a benign variant, to our knowledge. The N474K variant was not observed in approximately 6,100 individuals of European and African American ancestry in the NHLBI Exome Sequencing Project, indicating it is not a common benign variant in these populations. The N474K variant is a semi-conservative amino acid substitution, which may impact secondary protein structure as these residues differ in some properties. This substitution occurs at a position that is conserved in mammals. In silico analysis predicts this variant is probably damaging to the protein structure/function. We interpret N474K as a variant of uncertain significance.

NM_015459.5(ATL3):c.1422C>G (p.Asn474Lys)

Genes: ATL3 (atlastin GTPase 3; minus strand), LNCROPM (lncRNA regulator of PLAAT3 mediated phospholipid metabolism; plus strand). Cytogenetic location: 11q13.1.
Variant type: single nucleotide variant.
Coding change: c.1422C>G on transcript NM_015459.5 (MANE Select); coding-DNA position 1422, C replaced by G.
Protein change: p.Asn474Lys; replaces asparagine 474 with lysine.
Molecular consequence: missense variant.
Genome position (GRCh38, 1-based): chr11:63,631,157, G>C on the plus strand (C>G on the coding strand, the complement: ATL3 is on the minus strand). VCF-style: chr11-63631157-G-C. GRCh37 (hg19) VCF-style: chr11-63398629-G-C.
Other names: c.1368C>G, p.Asn456Lys (NM_001290048.2); short protein forms N456K, N474K.
Identifiers: ClinVar variation 387129 (VCV000387129.10), dbSNP rs1057522704, ClinGen allele CA16605961.